The following is an entry in ClinVar:

NM_001378030.1(CCDC78):c.1070C>T (p.Ala357Val)

Gene: CCDC78 (coiled-coil domain containing 78; minus strand). Cytogenetic location: 16p13.3.
Variant type: single nucleotide variant.
Coding change: c.1070C>T on transcript NM_001378030.1 (MANE Select); coding-DNA position 1070, C replaced by T.
Protein change: p.Ala357Val; replaces alanine 357 with valine.
Molecular consequence: missense variant. On other transcripts: non-coding transcript variant (5), intron variant (1).
Genome position (GRCh38, 1-based): chr16:723,920, G>A on the plus strand (C>T on the coding strand, the complement: CCDC78 is on the minus strand). VCF-style: chr16-723920-G-A. GRCh37 (hg19) VCF-style: chr16-773920-G-A.
Other names: c.1070C>T, p.Ala357Val (NM_001031737.3); c.503C>T, p.Ala168Val (NM_001378033.1); c.953+402C>T (NM_001378031.1); short protein forms A168V, A357V.
Identifiers: ClinVar variation 1445500 (VCV001445500.6), dbSNP rs767325446, ClinGen allele CA276519712.

ClinVar aggregate classification (germline): Uncertain significance (1 of 4 stars; one submission).

Conditions:
Congenital myopathy with internal nuclei and atypical cores. Also called: Myopathy, centronuclear, 4. Identifiers: Orphanet 319160, MedGen C4707232, MONDO:0013890, OMIM 614807.

gnomAD v4.1: 4 of 1,600,640 alleles (0.00025%); highest among the groups gnomAD compares: African/African-American, 0.0027%; no homozygotes.

Submission:

Labcorp Genetics (formerly Invitae), Labcorp
Classification: Uncertain significance for Congenital myopathy with internal nuclei and atypical cores. Last evaluated: 2022-09-19. Review status: criteria provided, single submitter. Criteria: Invitae Variant Classification Sherloc (09022015). Collection method: clinical testing. Allele origin: germline.
Comment: This sequence change replaces alanine, which is neutral and non-polar, with valine, which is neutral and non-polar, at codon 357 of the CCDC78 protein (p.Ala357Val). The frequency data for this variant in the population databases is considered unreliable, as metrics indicate poor data quality at this position in the gnomAD database. This variant has not been reported in the literature in individuals affected with CCDC78-related conditions. Advanced modeling of protein sequence and biophysical properties (such as structural, functional, and spatial information, amino acid conservation, physicochemical variation, residue mobility, and thermodynamic stability) performed at Invitae indicates that this missense variant is not expected to disrupt CCDC78 protein function. Algorithms developed to predict the effect of sequence changes on RNA splicing suggest that this variant may create or strengthen a splice site. In summary, the available evidence is currently insufficient to determine the role of this variant in disease. Therefore, it has been classified as a Variant of Uncertain Significance.